The following is an entry in ClinVar:

NM_032043.3(BRIP1):c.1829T>C (p.Ile610Thr)

Gene: BRIP1 (BRCA1 interacting DNA helicase 1; minus strand). Cytogenetic location: 17q23.2.
Variant type: single nucleotide variant.
Coding change: c.1829T>C on transcript NM_032043.3 (MANE Select); coding-DNA position 1829, T replaced by C.
Protein change: p.Ile610Thr; replaces isoleucine 610 with threonine.
Molecular consequence: missense variant.
Genome position (GRCh38, 1-based): chr17:61,780,367, A>G on the plus strand (T>C on the coding strand, the complement: BRIP1 is on the minus strand). VCF-style: chr17-61780367-A-G. GRCh37 (hg19) VCF-style: chr17-59857728-A-G.
Other names: short protein forms I610T.
Identifiers: ClinVar variation 2012171 (VCV002012171.4), dbSNP rs2145080264, ClinGen allele CA400480158.
Genomic context (GRCh38, chr17:61,780,367, plus strand): 5'-GTAACACCAAGTTCTGACGAAAAGGATTTCATTGGTGATAATGTACCAGATGTCAAAACA[A>G]TGGTCTGAACTTTGCCATTAATATCTGAAAAGGCCTAAAAGAAAACAACATTAGATAAAT-3'
Protein context (NP_114432.2, residues 600-620): FSDINGKVQT[Ile610Thr]VLTSGTLSPM

ClinVar aggregate classification (germline): Uncertain significance (1 of 4 stars; one submission).

Conditions:
Familial cancer of breast. Also called: hereditary breast carcinoma; BREAST CANCER, FAMILIAL; Hereditary breast cancer. Identifiers: Orphanet 227535, MedGen C0346153, MONDO:0016419, OMIM 114480. Disease mechanism: loss of function.
Fanconi anemia complementation group J. Also called: BRIP1-Related Fanconi Anemia. Identifiers: Orphanet 84, MedGen C1836860, MONDO:0012187, OMIM 609054.

Allele frequency attached by ClinVar (database versions not stated): gnomAD exomes below 0.00001.
gnomAD v4.1: 1 of 1,610,542 alleles (0.000062%); highest among the groups gnomAD compares: Non-Finnish European, 0.000085%; no homozygotes.

Submission:

Labcorp Genetics (formerly Invitae), Labcorp
Classification: Uncertain significance for Familial cancer of breast; Fanconi anemia complementation group J. Last evaluated: 2022-06-29. Review status: criteria provided, single submitter. Criteria: Invitae Variant Classification Sherloc (09022015). Collection method: clinical testing. Allele origin: germline.
Comment: This sequence change replaces isoleucine, which is neutral and non-polar, with threonine, which is neutral and polar, at codon 610 of the BRIP1 protein (p.Ile610Thr). This variant is not present in population databases (gnomAD no frequency). This variant has not been reported in the literature in individuals affected with BRIP1-related conditions. Algorithms developed to predict the effect of missense changes on protein structure and function (SIFT, PolyPhen-2, Align-GVGD) all suggest that this variant is likely to be disruptive. In summary, the available evidence is currently insufficient to determine the role of this variant in disease. Therefore, it has been classified as a Variant of Uncertain Significance.